The following is an entry in ClinVar:

ClinVar aggregate classification (germline): Uncertain significance (1 of 4 stars; one submission).

Allele frequency attached by ClinVar (database versions not stated): gnomAD exomes below 0.00001; ExAC 0.00001; gnomAD 0.00001; 1000 Genomes Project 30x 0.00016; 1000 Genomes Project 0.00020.
gnomAD v4.1: 5 of 1,613,098 alleles (0.00031%); highest among the groups gnomAD compares: East Asian, 0.0022%; no homozygotes.

Submission:

Labcorp Genetics (formerly Invitae), Labcorp
Classification: Uncertain significance. Last evaluated: 2022-08-02. Review status: criteria provided, single submitter. Criteria: Invitae Variant Classification Sherloc (09022015). Collection method: clinical testing. Allele origin: germline.
Comment: In summary, the available evidence is currently insufficient to determine the role of this variant in disease. Therefore, it has been classified as a Variant of Uncertain Significance. Algorithms developed to predict the effect of missense changes on protein structure and function are either unavailable or do not agree on the potential impact of this missense change (SIFT: "Deleterious"; PolyPhen-2: "Benign"; Align-GVGD: "Class C0"). This variant has not been reported in the literature in individuals affected with CACNA2D4-related conditions. This variant is present in population databases (rs200636614, gnomAD 0.007%). This sequence change replaces serine, which is neutral and polar, with leucine, which is neutral and non-polar, at codon 616 of the CACNA2D4 protein (p.Ser616Leu).

NM_172364.5(CACNA2D4):c.1847C>T (p.Ser616Leu)

Gene: CACNA2D4 (calcium voltage-gated channel auxiliary subunit alpha2delta 4; minus strand). Cytogenetic location: 12p13.33.
Variant type: single nucleotide variant.
Coding change: c.1847C>T on transcript NM_172364.5 (MANE Select); coding-DNA position 1847, C replaced by T.
Protein change: p.Ser616Leu; replaces serine 616 with leucine.
Molecular consequence: missense variant.
Genome position (GRCh38, 1-based): chr12:1,874,635, G>A on the plus strand (C>T on the coding strand, the complement: CACNA2D4 is on the minus strand). VCF-style: chr12-1874635-G-A. GRCh37 (hg19) VCF-style: chr12-1983801-G-A.
Other names: short protein forms S616L.
Identifiers: ClinVar variation 1714830 (VCV001714830.5), dbSNP rs200636614, ClinGen allele CA6386972.